The following is an entry in ClinVar:

NM_007373.4(SHOC2):c.702T>G (p.Ile234Met)

Gene: SHOC2 (SHOC2 leucine rich repeat scaffold protein; plus strand). Cytogenetic location: 10q25.2.
Variant type: single nucleotide variant.
Coding change: c.702T>G on transcript NM_007373.4 (MANE Select); coding-DNA position 702, T replaced by G.
Protein change: p.Ile234Met; replaces isoleucine 234 with methionine.
Molecular consequence: missense variant.
Genome position (GRCh38, 1-based): chr10:110,965,060, T>G. VCF-style: chr10-110965060-T-G. GRCh37 (hg19) VCF-style: chr10-112724818-T-G.
Other names: c.702T>G, p.Ile234Met (NM_001269039.3, NM_001324336.2, NM_001324337.2); short protein forms I234M.
Identifiers: ClinVar variation 3795708 (VCV003795708.1).
Genomic context (GRCh38, chr10:110,965,060, plus strand): 5'-GTCAAAACTCAGCATGCTTAGCATTCGAGAGAACAAAATTAAACAACTACCTGCTGAAAT[T>G]GGTAAGAGGCCTTGGATTATTATTATTTGTAGTATTTGTTATGCTAAATAATTTTGAGTG-3'
Protein context (NP_031399.2, residues 224-244): ENKIKQLPAE[Ile234Met]GELCNLITLD

ClinVar aggregate classification (germline): Uncertain significance (1 of 4 stars; one submission).

Conditions:
Cardiovascular phenotype. Identifiers: MedGen CN230736.

Submission:

Ambry Genetics
Classification: Uncertain significance for Cardiovascular phenotype. Last evaluated: 2025-01-19. Review status: criteria provided, single submitter. Criteria: Ambry Variant Classification Scheme 2023. Collection method: clinical testing. Allele origin: germline.
Comment: The p.I234M variant (also known as c.702T>G), located in coding exon 1 of the SHOC2 gene, results from a T to G substitution at nucleotide position 702. The isoleucine at codon 234 is replaced by methionine, an amino acid with highly similar properties. This amino acid position is conserved. In addition, the in silico prediction for this alteration is inconclusive. Based on the available evidence, the clinical significance of this variant remains unclear.